The following is an entry in ClinVar:

NC_000007.13:g.(?_55086971)_(55087078_?)dup

Gene: EGFR (epidermal growth factor receptor; plus strand). Cytogenetic location: 7p11.2.
Variant type: Duplication.
Identifiers: ClinVar variation 3245835 (VCV003245835.1).

ClinVar aggregate classification (germline): Uncertain significance (1 of 4 stars; one submission).

Conditions:
EGFR-related lung cancer (EGFR). Identifiers: MedGen CN130014.

Submission:

Labcorp Genetics (formerly Invitae), Labcorp
Classification: Uncertain significance for EGFR-related lung cancer. Last evaluated: 2023-12-31. Review status: criteria provided, single submitter. Criteria: Invitae Variant Classification Sherloc (09022015). Collection method: clinical testing. Allele origin: unknown.
Comment: This variant results in a copy number gain of the genomic region encompassing exon(s) 1 of the EGFR gene. This region includes the initiator codon of the gene. This copy number gain extends beyond the assayed region for this gene and therefore may encompass additional genes. As the precise location of this event is unknown, it may be in tandem or it may be located elsewhere in the genome. This variant has not been reported in the literature in individuals affected with EGFR-related conditions. Experimental studies and prediction algorithms are not available or were not evaluated, and the functional significance of this variant is currently unknown. In summary, the available evidence is currently insufficient to determine the role of this variant in disease. Therefore, it has been classified as a Variant of Uncertain Significance.